The following is an entry in ClinVar:

NM_001142800.2(EYS):c.7399C>T (p.Gln2467Ter)

Gene: EYS (EGF-like photoreceptor maintenance factor; minus strand). Cytogenetic location: 6q12.
Variant type: single nucleotide variant.
Coding change: c.7399C>T on transcript NM_001142800.2 (MANE Select); coding-DNA position 7399, C replaced by T.
Protein change: p.Gln2467Ter; replaces glutamine 2467 with a stop codon.
Molecular consequence: nonsense.
Genome position (GRCh38, 1-based): chr6:63,806,202, G>A on the plus strand (C>T on the coding strand, the complement: EYS is on the minus strand). VCF-style: chr6-63806202-G-A. GRCh37 (hg19) VCF-style: chr6-64516095-G-A.
Other names: c.7399C>T, p.Gln2467Ter (NM_001292009.2); short protein forms Q2467*.
Identifiers: ClinVar variation 5014887 (VCV005014887.1).

ClinVar aggregate classification (germline): Pathogenic (1 of 4 stars; one submission).

Conditions:
Retinitis pigmentosa 25 (RP25). Identifiers: Orphanet 791, MedGen C1864446, MONDO:0011272, OMIM 602772.

Submission:

Myriad Genetics, Inc.
Classification: Pathogenic for Retinitis pigmentosa 25. Last evaluated: 2025-08-19. Review status: criteria provided, single submitter. Criteria: Myriad Autosomal Dominant, Autosomal Recessive and X-Linked Classification Criteria (2023). Collection method: clinical testing. Allele origin: unknown.
Comment: NM_001142800.1(EYS):c.7399C>T(Q2467*) is expected to be pathogenic in the context of retinitis pigmentosa, EYS-related. This variant is predicted to lead to an abnormal or absent protein product due to the creation of a premature termination codon in EYS, a gene where loss-of-function variants are known to be pathogenic. Please note: this variant was assessed in the context of healthy population screening.